The following is an entry in ClinVar:

ClinVar aggregate classification (germline): Uncertain significance (0 of 4 stars; one submission).

Conditions:
TBX3-related disorder. Also called: TBX3-related condition.

Submission:

PreventionGenetics, part of Exact Sciences
Classification: Uncertain significance for TBX3-related condition. Last evaluated: 2023-12-04. Review status: no assertion criteria provided. Collection method: clinical testing. Allele origin: germline.
Comment: The TBX3 c.1946_1951dup6 variant is predicted to result in an in-frame duplication (p.Val649_Pro650dup). To our knowledge, this variant has not been reported in the literature or in a large population database, indicating this variant is rare. At this time, the clinical significance of this variant is uncertain due to the absence of conclusive functional and genetic evidence.

NM_005996.4(TBX3):c.1886_1891dup (p.Pro630_Asp631insValPro)

Gene: TBX3 (T-box transcription factor 3; minus strand). Cytogenetic location: 12q24.21.
Variant type: Duplication.
Coding change: c.1886_1891dup on transcript NM_005996.4 (MANE Select); coding-DNA positions 1886 to 1891, 6 bases duplicated (TCCCGG; older notation c.1886_1891dupTCCCGG).
Protein change: p.Pro630_Asp631insValPro.
Genome position (GRCh38, 1-based): chr12:114,672,122-114,672,127, CCGGGA duplicated on the plus strand (TCCCGG on the coding strand, the reverse complement: TBX3 is on the minus strand); duplicating any 6 consecutive bases within chr12:114,672,122-114,672,131 gives the same sequence; the c. name uses the placement nearest the transcript's 3' end. VCF-style (leftmost placement, unchanged base first): chr12-114672121-T-TCCGGGA. GRCh37 (hg19) VCF-style: chr12-115109926-T-TCCGGGA.
Other names: c.1946_1951dup, p.Pro650_Asp651insValPro (NM_016569.4).
Identifiers: ClinVar variation 3031433 (VCV003031433.2), dbSNP rs1868469827, ClinGen allele CA952072848.